The following is an entry in ClinVar:

NM_001081.4(CUBN):c.9078C>A (p.Phe3026Leu)

Gene: CUBN (cubilin; minus strand). Cytogenetic location: 10p13.
Variant type: single nucleotide variant.
Coding change: c.9078C>A on transcript NM_001081.4 (MANE Select); coding-DNA position 9078, C replaced by A.
Protein change: p.Phe3026Leu; replaces phenylalanine 3026 with leucine.
Molecular consequence: missense variant.
Genome position (GRCh38, 1-based): chr10:16,876,925, G>T on the plus strand (C>A on the coding strand, the complement: CUBN is on the minus strand). VCF-style: chr10-16876925-G-T. GRCh37 (hg19) VCF-style: chr10-16918924-G-T.
Other names: short protein forms F3026L.
Identifiers: ClinVar variation 1384414 (VCV001384414.8), dbSNP rs140524729, ClinGen allele CA376131408.

ClinVar aggregate classification (germline): Uncertain significance (1 of 4 stars; one submission).

Conditions:
Imerslund-Grasbeck syndrome. Also called: PERNICIOUS ANEMIA, JUVENILE, DUE TO SELECTIVE INTESTINAL MALABSORPTION OF VITAMIN B12, WITH PROTEINURIA; Megaloblastic anemia due to inborn errors of metabolism; ENTEROCYTE COBALAMIN MALABSORPTION; ENTEROCYTE INTRINSIC FACTOR RECEPTOR, DEFECT OF; Imerslund-Gräsbeck syndrome. Identifiers: Orphanet 35858, MedGen C4551825, MONDO:0009853.

gnomAD v4.1: 1 of 1,614,084 alleles (0.000062%); no homozygotes.

Submission:

Labcorp Genetics (formerly Invitae), Labcorp
Classification: Uncertain significance for Imerslund-Grasbeck syndrome. Last evaluated: 2022-07-12. Review status: criteria provided, single submitter. Criteria: Invitae Variant Classification Sherloc (09022015). Collection method: clinical testing. Allele origin: germline.
Comment: In summary, the available evidence is currently insufficient to determine the role of this variant in disease. Therefore, it has been classified as a Variant of Uncertain Significance. This sequence change replaces phenylalanine, which is neutral and non-polar, with leucine, which is neutral and non-polar, at codon 3026 of the CUBN protein (p.Phe3026Leu). This variant is not present in population databases (gnomAD no frequency). This variant has not been reported in the literature in individuals affected with CUBN-related conditions. ClinVar contains an entry for this variant (Variation ID: 1384414). Algorithms developed to predict the effect of missense changes on protein structure and function output the following: SIFT: "Tolerated"; PolyPhen-2: "Benign"; Align-GVGD: "Class C0". The leucine amino acid residue is found in multiple mammalian species, which suggests that this missense change does not adversely affect protein function.